The following is an entry in ClinVar:

NM_004793.4(LONP1):c.1299C>T (p.His433=)

Gene: LONP1 (lon peptidase 1, mitochondrial; minus strand). Cytogenetic location: 19p13.3.
Variant type: single nucleotide variant.
Coding change: c.1299C>T on transcript NM_004793.4 (MANE Select); coding-DNA position 1299, C replaced by T.
Protein change: p.His433=; no amino-acid change (histidine 433 retained).
Molecular consequence: synonymous variant. On other transcripts: non-coding transcript variant (1).
Genome position (GRCh38, 1-based): chr19:5,705,840, G>A on the plus strand (C>T on the coding strand, the complement: LONP1 is on the minus strand). VCF-style: chr19-5705840-G-A. GRCh37 (hg19) VCF-style: chr19-5705851-G-A.
Other names: c.1107C>T, p.His369= (NM_001276479.2); c.711C>T, p.His237= (NM_001276480.1).
Identifiers: ClinVar variation 796276 (VCV000796276.20), dbSNP rs1438391606, ClinGen allele CA505180600.

ClinVar aggregate classification (germline): Likely benign. Review status: criteria provided, multiple submitters, no conflicts (2 of 4 stars). 2 submissions from 2 submitters: Likely benign (2). Last evaluated 2024-07-01.

gnomAD v4.1: 4 of 1,614,170 alleles (0.00025%); highest among the groups gnomAD compares: Non-Finnish European, 0.00034%; no homozygotes.

Submissions (2):

CeGaT Center for Human Genetics Tuebingen
Classification: Likely benign. Last evaluated: 2024-07-01. Review status: criteria provided, single submitter. Criteria: CeGaT Center For Human Genetics Tuebingen Variant Classification Criteria Version 2. Collection method: clinical testing. Allele origin: germline. Affected: yes. Observed: 1 variant allele.
Comment: LONP1: PM2:Supporting, BP4, BP7

Labcorp Genetics (formerly Invitae), Labcorp
Classification: Likely benign. Last evaluated: 2018-12-10. Review status: criteria provided, single submitter. Criteria: Invitae Variant Classification Sherloc (09022015). Collection method: clinical testing. Allele origin: germline.